The following is an entry in ClinVar:

ClinVar aggregate classification (germline): Benign (1 of 4 stars; one submission).

Submission:

CeGaT Center for Human Genetics Tuebingen
Classification: Benign. Last evaluated: 2022-10-01. Review status: criteria provided, single submitter. Criteria: CeGaT Center For Human Genetics Tuebingen Variant Classification Criteria Version 2. Collection method: clinical testing. Allele origin: germline. Affected: yes. Observed: 2 variant alleles.
Comment: RYR2: BS1, BS2

NM_001035.3(RYR2):c.*645_*646del

Gene: RYR2 (ryanodine receptor 2; plus strand). Cytogenetic location: 1q43.
Variant type: Deletion.
Coding change: c.*645_*646del on transcript NM_001035.3 (MANE Select); 645 bases downstream of the stop codon through 646 bases downstream of the stop codon, 2 bases deleted (AA; older notation c.*645_*646delAA).
Molecular consequence: 3 prime UTR variant.
Genome position (GRCh38, 1-based): chr1:237,833,292-237,833,293, AA deleted; deleting any 2 consecutive bases within chr1:237,833,282-237,833,293 gives the same sequence; the c. name uses the placement nearest the transcript's 3' end. VCF-style (leftmost placement, unchanged base first): chr1-237833281-GAA-G. GRCh37 (hg19) VCF-style: chr1-237996581-GAA-G.
Identifiers: ClinVar variation 1879121 (VCV001879121.29), dbSNP rs377407067, ClinGen allele CA529555103.